The following is an entry in ClinVar:

NM_006757.4(TNNT3):c.698G>A (p.Ser233Asn)

Gene: TNNT3 (troponin T3, fast skeletal type; plus strand). Cytogenetic location: 11p15.5.
Variant type: single nucleotide variant.
Coding change: c.698G>A on transcript NM_006757.4 (MANE Select); coding-DNA position 698, G replaced by A.
Protein change: p.Ser233Asn; replaces serine 233 with asparagine.
Molecular consequence: missense variant. On other transcripts: intron variant (2).
Genome position (GRCh38, 1-based): chr11:1,936,979, G>A. VCF-style: chr11-1936979-G-A. GRCh37 (hg19) VCF-style: chr11-1958209-G-A.
Other names: c.692G>A, p.Ser231Asn (NM_001042781.3, NM_001367842.1); c.674G>A, p.Ser225Asn (NM_001042782.3, NM_001297646.2, NM_001367844.1 and 1 more transcripts); c.707G>A, p.Ser236Asn (NM_001363561.2, NM_001367847.1); c.731G>A, p.Ser244Asn (NM_001367846.1); c.695G>A, p.Ser232Asn (NM_001367848.1); c.686G>A, p.Ser229Asn (NM_001367849.1); c.641G>A, p.Ser214Asn (NM_001367850.1); c.494G>A, p.Ser165Asn (NM_001367851.1, NM_001367852.1); and 2 more; short protein forms S165N, S231N, S214N, S232N, S244N, S225N, S229N, S233N.
Identifiers: ClinVar variation 745923 (VCV000745923.12), dbSNP rs1130395, ClinGen allele CA5816636.

ClinVar aggregate classification (germline): Benign. Review status: criteria provided, single submitter (1 of 4 stars). 2 submissions from 2 submitters: Benign (1). 1 of the submissions does not count toward it. Last evaluated 2026-01-15.

Conditions:
TNNT3-related disorder. Also called: TNNT3-related condition.

Allele frequency attached by ClinVar (database versions not stated): gnomAD exomes 0.00020 and 0.00047; ExAC 0.00057; gnomAD 0.00002; TOPMed 0.00014.
gnomAD v4.1: 124 of 1,606,470 alleles (0.0077%); highest among the groups gnomAD compares: Admixed American, 0.21%; no homozygotes.

Submissions (2):

Labcorp Genetics (formerly Invitae), Labcorp
Classification: Benign. Last evaluated: 2026-01-15. Review status: criteria provided, single submitter. Criteria: Invitae Variant Classification Sherloc (09022015). Collection method: clinical testing. Allele origin: germline.

PreventionGenetics, part of Exact Sciences
Classification: Likely benign for TNNT3-related condition. Last evaluated: 2023-11-22. Review status: no assertion criteria provided. Collection method: clinical testing. Allele origin: germline. Not counted in ClinVar's aggregate classification.
Comment: This variant is classified as likely benign based on ACMG/AMP sequence variant interpretation guidelines (Richards et al. 2015 PMID: 25741868, with internal and published modifications).